The following is an entry in ClinVar:

ClinVar aggregate classification (germline): Uncertain significance (1 of 4 stars; one submission).

Submission:

GeneDx
Classification: Uncertain significance. Last evaluated: 2026-02-01. Review status: criteria provided, single submitter. Criteria: GeneDx Variant Classification Process June 2021. Collection method: clinical testing. Allele origin: germline.
Comment: Not observed at significant frequency in large population cohorts (gnomAD); In silico analysis suggests that this missense variant does not alter protein structure/function; Has not been previously published as pathogenic or benign to our knowledge

NM_016148.5(SHANK1):c.3286A>T (p.Met1096Leu)

Gene: SHANK1 (SH3 and multiple ankyrin repeat domains 1; minus strand). Cytogenetic location: 19q13.33.
Variant type: single nucleotide variant.
Coding change: c.3286A>T on transcript NM_016148.5 (MANE Select); coding-DNA position 3286, A replaced by T.
Protein change: p.Met1096Leu; replaces methionine 1096 with leucine.
Molecular consequence: missense variant.
Genome position (GRCh38, 1-based): chr19:50,668,674, T>A on the plus strand (A>T on the coding strand, the complement: SHANK1 is on the minus strand). VCF-style: chr19-50668674-T-A. GRCh37 (hg19) VCF-style: chr19-51171931-T-A.
Other names: short protein forms M1096L.
Identifiers: ClinVar variation 4976007 (VCV004976007.1).
Genomic context (GRCh38, chr19:50,668,674, plus strand): 5'-CCTTGGTCTGCTTGACCAGCGGGCCCTTGCGGCCGCGGCCCGAGCGGGCGGGCACGTACA[T>A]GGCTGCGCTGGCCGCCCGCGGGGGCAGCTGGAAATAGCGTAGAGCCGGGCCCTGGGAGGA-3'
Protein context (NP_057232.2, residues 1086-1106): QLPPRAASAA[Met1096Leu]YVPARSGRGR